The following is an entry in ClinVar:

NM_000222.3(KIT):c.757-6C>G

Gene: KIT (KIT proto-oncogene, receptor tyrosine kinase; plus strand). Cytogenetic location: 4q12.
Variant type: single nucleotide variant.
Coding change: c.757-6C>G on transcript NM_000222.3 (MANE Select); 6 bases into the intron before coding-DNA position 757, C replaced by G.
Molecular consequence: intron variant.
Genome position (GRCh38, 1-based): chr4:54,703,718, C>G. VCF-style: chr4-54703718-C-G. GRCh37 (hg19) VCF-style: chr4-55569884-C-G.
Other names: c.757-3C>G (NM_001385284.1, NM_001385290.1, NM_001385288.1 and 1 more transcripts); c.757-6C>G (NM_001385285.1, NM_001093772.2, NM_001385286.1).
Identifiers: ClinVar variation 2167427 (VCV002167427.4), dbSNP rs2475469049, ClinGen allele CA2580071116.

ClinVar aggregate classification (germline): Uncertain significance (1 of 4 stars; one submission).

Conditions:
Gastrointestinal stromal tumor. Also called: Gastrointestinal stroma tumor; Gastrointestinal stromal tumor, somatic. Identifiers: Orphanet 44890, MedGen C0238198, MeSH D046152, MONDO:0011719, OMIM 606764, HP:0100723.

Submission:

Labcorp Genetics (formerly Invitae), Labcorp
Classification: Uncertain significance for Gastrointestinal stromal tumor. Last evaluated: 2022-07-09. Review status: criteria provided, single submitter. Criteria: Invitae Variant Classification Sherloc (09022015). Collection method: clinical testing. Allele origin: germline.
Comment: This sequence change falls in intron 4 of the KIT gene. It does not directly change the encoded amino acid sequence of the KIT protein. In summary, the available evidence is currently insufficient to determine the role of this variant in disease. Therefore, it has been classified as a Variant of Uncertain Significance. Algorithms developed to predict the effect of sequence changes on RNA splicing suggest that this variant may disrupt the consensus splice site. This variant has not been reported in the literature in individuals affected with KIT-related conditions. This variant is not present in population databases (gnomAD no frequency).